The following is an entry in ClinVar:

NM_006939.4(SOS2):c.399A>G (p.Val133=)

Gene: SOS2 (SOS Ras/Rho guanine nucleotide exchange factor 2; minus strand). Cytogenetic location: 14q21.3.
Variant type: single nucleotide variant.
Coding change: c.399A>G on transcript NM_006939.4 (MANE Select); coding-DNA position 399, A replaced by G.
Protein change: p.Val133=; no amino-acid change (valine 133 retained).
Molecular consequence: synonymous variant.
Genome position (GRCh38, 1-based): chr14:50,199,802, T>C on the plus strand (A>G on the coding strand, the complement: SOS2 is on the minus strand). VCF-style: chr14-50199802-T-C. GRCh37 (hg19) VCF-style: chr14-50666520-T-C.
Identifiers: ClinVar variation 515697 (VCV000515697.12), dbSNP rs144584870, ClinGen allele CA7177526.

ClinVar aggregate classification (germline): Likely benign. Review status: criteria provided, multiple submitters, no conflicts (2 of 4 stars). 5 submissions from 5 submitters: Likely benign (5). Last evaluated 2026-02-02.

Conditions:
Cardiovascular phenotype. Identifiers: MedGen CN230736.
Noonan syndrome 9 (NS9). Identifiers: Orphanet 648, MedGen C4225282, MONDO:0014691, OMIM 616559.

Allele frequency attached by ClinVar (database versions not stated): TOPMed 0.00010; ESP Exome Variant Server 0.00023.
gnomAD v4.1: 29 of 1,595,528 alleles (0.0018%); highest among the groups gnomAD compares: African/African-American, 0.034%; no homozygotes.

Submissions (5):

Labcorp Genetics (formerly Invitae), Labcorp
Classification: Likely benign for Noonan syndrome 9. Last evaluated: 2026-02-02. Review status: criteria provided, single submitter. Criteria: Invitae Variant Classification Sherloc (09022015). Collection method: clinical testing. Allele origin: germline.

Blueprint Genetics
Classification: Likely benign. Last evaluated: 2024-07-04. Review status: criteria provided, single submitter. Criteria: ACMG Guidelines, 2015. Collection method: clinical testing. Allele origin: germline.

Ambry Genetics
Classification: Likely benign for Cardiovascular phenotype. Last evaluated: 2019-10-21. Review status: criteria provided, single submitter. Criteria: Ambry Variant Classification Scheme 2023. Collection method: clinical testing. Allele origin: germline.

GeneDx
Classification: Likely benign. Last evaluated: 2018-02-20. Review status: criteria provided, single submitter. Criteria: GeneDx Variant Classification (06012015). Collection method: clinical testing. Allele origin: germline. Affected: yes.
Comment: This variant is considered likely benign or benign based on one or more of the following criteria: it is a conservative change, it occurs at a poorly conserved position in the protein, it is predicted to be benign by multiple in silico algorithms, and/or has population frequency not consistent with disease.

Genome-Nilou Lab
Classification: Likely benign for Noonan syndrome 9. Review status: criteria provided, single submitter. Criteria: ACMG Guidelines, 2015. Collection method: clinical testing. Allele origin: germline.